The following is an entry in ClinVar:

ClinVar aggregate classification (germline): Pathogenic (1 of 4 stars; one submission).

Conditions:
Wilson disease (WND). Also called: Wilson's disease. Identifiers: Orphanet 905, MedGen C0019202, MONDO:0010200, OMIM 277900. Disease mechanism: loss of function.

Submission:

Juno Genomics, Hangzhou Juno Genomics, Inc
Classification: Pathogenic for Wilson disease. Review status: criteria provided, single submitter. Criteria: ACMG Guidelines, 2015. Collection method: clinical testing. Allele origin: germline. Affected: yes.
Comment: Null variant in a gene where loss of function (LOF) is a known mechanism of disease.;Absent from controls (or at extremely low frequency if recessive) in Genome Aggregation Database, Exome Sequencing Project, 1000 Genomes Project, or Exome Aggregation Consortium.;Patient's phenotype or family history is highly specific for a disease with a single genetic etiology.

NM_000053.4(ATP7B):c.1219_1220del (p.Val407fs)

Gene: ATP7B (ATPase copper transporting beta; minus strand). Cytogenetic location: 13q14.3.
Variant type: Deletion.
Coding change: c.1219_1220del on transcript NM_000053.4 (MANE Select); coding-DNA positions 1219 to 1220, 2 bases deleted (GT; older notation c.1219_1220delGT).
Protein change: p.Val407fs; shifts the reading frame from valine 407.
Molecular consequence: frameshift variant.
Genome position (GRCh38, 1-based): chr13:51,974,000-51,974,001, AC deleted on the plus strand (GT on the coding strand, the reverse complement: ATP7B is on the minus strand); deleting any 2 consecutive bases within chr13:51,974,000-51,974,002 gives the same sequence; the c. name uses the placement nearest the transcript's 3' end. VCF-style (leftmost placement, unchanged base first): chr13-51973999-TAC-T. GRCh37 (hg19) VCF-style: chr13-52548135-TAC-T.
Other names: c.1219_1220del, p.Val407fs (NM_001005918.3, NM_001330578.2, NM_001330579.2 and 29 more transcripts); c.886_887del, p.Val296fs (NM_001243182.2); c.1123_1124del, p.Val375fs (NM_001406543.1, NM_001406544.1, NM_001406517.1 and 3 more transcripts); c.790_791del, p.Val264fs (NM_001406539.1); short protein forms V264fs, V296fs, V375fs, V407fs.
Identifiers: ClinVar variation 3383087 (VCV003383087.2).
Genomic context (GRCh38, chr13:51,973,999, plus strand): 5'-AACGACTGAAGCCTCAAATCCCATGTCTTCTATAGCAGCTCTGAGTTCTTCTGGGCTAAT[TAC>T]AGAGGGATTATAAAGAACTGTTGCAGTCCCTTCGGCCAAAGACACCGATATTTGCTGCAC-3'